The following is an entry in ClinVar:

ClinVar aggregate classification (germline): Conflicting classifications of pathogenicity. Review status: criteria provided, conflicting classifications (1 of 4 stars). 7 submissions from 7 submitters: Uncertain significance (5); Likely benign (2). Last evaluated 2025-09-29.

Conditions:
Cardiovascular phenotype. Identifiers: MedGen CN230736.
Cardiomyopathy (CMYO). Also called: Cardiomyopathies. Identifiers: Orphanet 167848, MedGen C0878544, MONDO:0004994, HP:0001638. Inheritance: Various modes of inheritance.
Hypertrophic cardiomyopathy. Also called: HYPERTROPHIC MYOCARDIOPATHY. Identifiers: Orphanet 217569, MedGen C0007194, MeSH D002312, MONDO:0005045, HP:0001639.

Allele frequency attached by ClinVar (database versions not stated): TOPMed 0.00003; ExAC 0.00008; gnomAD exomes 0.00008 and 0.00001; gnomAD 0.00002.
gnomAD v4.1: 28 of 1,613,942 alleles (0.0017%); highest among the groups gnomAD compares: East Asian, 0.022%; no homozygotes.

Submissions (7):

Labcorp Genetics (formerly Invitae), Labcorp
Classification: Likely benign for Hypertrophic cardiomyopathy. Last evaluated: 2025-09-29. Review status: criteria provided, single submitter. Criteria: Invitae Variant Classification Sherloc (09022015). Collection method: clinical testing. Allele origin: germline.

GeneDx
Classification: Uncertain significance. Last evaluated: 2025-01-18. Review status: criteria provided, single submitter. Criteria: GeneDx Variant Classification Process June 2021. Collection method: clinical testing. Allele origin: germline. Affected: yes.
Comment: In silico analysis supports that this missense variant has a deleterious effect on protein structure/function; Reported in a patient with congenital heart malformations, however evidence in support of pathogenicity for this variant was not provided (PMID: 30359267, 36554045); This variant is associated with the following publications: (PMID: 37937776, 36095024, 30359267, 34542152, 33996946, 36554045)

All of Us Research Program, National Institutes of Health
Classification: Uncertain significance for Cardiomyopathy. Last evaluated: 2023-12-13. Review status: criteria provided, single submitter. Criteria: ACMG Guidelines, 2015. Collection method: clinical testing. Allele origin: germline. Inheritance: Autosomal dominant inheritance. Observed: 5 variant alleles, 5 heterozygotes.
Comment: This missense variant replaces arginine with histidine at codon 1268 of the MYH7 protein. Computational prediction is inconclusive regarding the impact of this variant on protein structure and function (internally defined REVEL score threshold 0.5 < inconclusive < 0.7, PMID: 27666373). To our knowledge, functional studies have not been reported for this variant. This variant has been reported in an individual affected with hypertrophic cardiomyopathy (PMID: 30847666) and in an individual affected with dilated cardiomyopathy (PMID: 34302607). This variant has also been reported de novo in an individual affected with cardiac defects (PMID: 30359267). This variant has been identified in 21/251484 chromosomes in the general population by the Genome Aggregation Database (gnomAD). The available evidence is insufficient to determine the role of this variant in disease conclusively. Therefore, this variant is classified as a Variant of Uncertain Significance.

This study involves interpretation of variants in research participants for the purpose of population health screening. Participant phenotype was not available at the time of variant classification. Additional details can be found in publication PMID: 35346344, PMCID: PMC8962531

Color Diagnostics, LLC DBA Color Health
Classification: Uncertain significance for Cardiomyopathy. Last evaluated: 2023-04-25. Review status: criteria provided, single submitter. Criteria: ACMG Guidelines, 2015. Collection method: clinical testing. Allele origin: germline.
Comment: This missense variant replaces arginine with histidine at codon 1268 of the MYH7 protein. Computational prediction is inconclusive regarding the impact of this variant on protein structure and function (internally defined REVEL score threshold 0.5 < inconclusive < 0.7, PMID: 27666373). To our knowledge, functional studies have not been reported for this variant. This variant has been reported in an individual affected with hypertrophic cardiomyopathy (PMID: 30847666) and in an individual affected with dilated cardiomyopathy (PMID: 34302607). This variant has also been reported de novo in an individual affected with cardiac defects (PMID: 30359267). This variant has been identified in 21/251484 chromosomes in the general population by the Genome Aggregation Database (gnomAD). The available evidence is insufficient to determine the role of this variant in disease conclusively. Therefore, this variant is classified as a Variant of Uncertain Significance.

Ambry Genetics
Classification: Likely benign for Cardiovascular phenotype. Last evaluated: 2020-01-24. Review status: criteria provided, single submitter. Criteria: Ambry Variant Classification Scheme 2023. Collection method: clinical testing. Allele origin: germline.

Laboratory for Molecular Medicine, Mass General Brigham Personalized Medicine
Classification: Uncertain significance. Last evaluated: 2016-09-19. Review status: criteria provided, single submitter. Criteria: LMM Criteria. Collection method: clinical testing. Allele origin: germline. Observed: 1 variant allele.
Comment: proposed classification - variant undergoing re-assessment, contact laboratory

CHEO Genetics Diagnostic Laboratory, Children's Hospital of Eastern Ontario
Classification: Uncertain significance for Cardiomyopathy. Last evaluated: 2016-08-12. Review status: criteria provided, single submitter. Criteria: ACMG Guidelines, 2015. Collection method: clinical testing. Allele origin: germline. Study: Canadian Open Genetics Repository.

Literature cited by the submitters: PubMed 30359267 (cited by 3 submitters); PubMed 30847666 (cited by All of Us Research Program, National Institutes of Health and Color Diagnostics, LLC DBA Color Health); PubMed 34302607 (cited by All of Us Research Program, National Institutes of Health and Color Diagnostics, LLC DBA Color Health); PubMed 27532257 (cited by Ambry Genetics).

NM_000257.4(MYH7):c.3803G>A (p.Arg1268His)

Gene: MYH7 (myosin heavy chain 7; minus strand). Cytogenetic location: 14q11.2.
Variant type: single nucleotide variant.
Coding change: c.3803G>A on transcript NM_000257.4 (MANE Select); coding-DNA position 3803, G replaced by A.
Protein change: p.Arg1268His; replaces arginine 1268 with histidine.
Molecular consequence: missense variant.
Genome position (GRCh38, 1-based): chr14:23,419,533, C>T on the plus strand (G>A on the coding strand, the complement: MYH7 is on the minus strand). VCF-style: chr14-23419533-C-T. GRCh37 (hg19) VCF-style: chr14-23888742-C-T.
Other names: short protein forms R1268H.
Identifiers: ClinVar variation 42975 (VCV000042975.24), dbSNP rs397516194, ClinGen allele CA014102.